The following is an entry in ClinVar:

ClinVar aggregate classification (germline): Pathogenic/Likely pathogenic. Review status: criteria provided, multiple submitters, no conflicts (2 of 4 stars). 5 submissions from 5 submitters: Pathogenic (4); Likely pathogenic (1). Last evaluated 2024-06-23.

Conditions:
Familial cancer of breast. Also called: BREAST CANCER, FAMILIAL; Hereditary breast cancer; hereditary breast carcinoma. Identifiers: Orphanet 227535, MedGen C0346153, MONDO:0016419, OMIM 114480. Disease mechanism: loss of function.
Ataxia-telangiectasia syndrome (AT). Also called: Cerebello-oculocutaneous telangiectasia; Immunodeficiency with ataxia telangiectasia; Ataxia-telangiectasia, complementation group E; Ataxia-telangiectasia, complementation group D; AT, COMPLEMENTATION GROUP C; ATAXIA-TELANGIECTASIA, COMPLEMENTATION GROUP A. Identifiers: Orphanet 100, MedGen C0004135, MONDO:0008840, OMIM 208900.
Hereditary cancer-predisposing syndrome. Also called: Hereditary Cancer Syndrome; Neoplastic Syndromes, Hereditary; Tumor predisposition; Hereditary neoplastic syndrome. Identifiers: Orphanet 140162, MedGen C0027672, MeSH D009386, MONDO:0015356.
Malignant tumor of breast. Also called: Malignant breast neoplasm; Cancer breast. Identifiers: MedGen C0006142, MONDO:0007254. Disease mechanism: loss of function.

Submissions (5):

Labcorp Genetics (formerly Invitae), Labcorp
Classification: Pathogenic for Ataxia-telangiectasia syndrome. Last evaluated: 2024-06-23. Review status: criteria provided, single submitter. Criteria: Invitae Variant Classification Sherloc (09022015). Collection method: clinical testing. Allele origin: germline.
Comment: This sequence change creates a premature translational stop signal (p.Trp2091Cysfs*5) in the ATM gene. It is expected to result in an absent or disrupted protein product. Loss-of-function variants in ATM are known to be pathogenic (PMID: 23807571, 25614872). This variant is not present in population databases (gnomAD no frequency). This variant has not been reported in the literature in individuals affected with ATM-related conditions. ClinVar contains an entry for this variant (Variation ID: 626061). For these reasons, this variant has been classified as Pathogenic.

Ambry Genetics
Classification: Pathogenic for Hereditary cancer-predisposing syndrome. Last evaluated: 2023-09-26. Review status: criteria provided, single submitter. Criteria: Ambry Variant Classification Scheme 2023. Collection method: clinical testing. Allele origin: germline.
Comment: The c.6273delG pathogenic mutation, located in coding exon 42 of the ATM gene, results from a deletion of one nucleotide at nucleotide position 6273, causing a translational frameshift with a predicted alternate stop codon (p.W2091Cfs*5). This variant is considered to be rare based on population cohorts in the Genome Aggregation Database (gnomAD). This alteration is expected to result in loss of function by premature protein truncation or nonsense-mediated mRNA decay. As such, this alteration is interpreted as a disease-causing mutation.

Myriad Genetics, Inc.
Classification: Pathogenic for Familial cancer of breast. Last evaluated: 2023-09-20. Review status: criteria provided, single submitter. Criteria: Myriad Autosomal Dominant, Autosomal Recessive and X-Linked Classification Criteria (2023). Collection method: clinical testing. Allele origin: unknown.
Comment: This variant is considered pathogenic. This variant creates a frameshift predicted to result in premature protein truncation.

Women's Health and Genetics/Laboratory Corporation of America, LabCorp
Classification: Likely pathogenic for breast cancer. Last evaluated: 2020-12-15. Review status: criteria provided, single submitter. Criteria: LabCorp Variant Classification Summary - May 2015. Collection method: clinical testing. Allele origin: germline.
Comment: Variant summary: ATM c.6273delG (p.Trp2091CysfsX5) results in a premature termination codon, predicted to cause a truncation of the encoded protein or absence of the protein due to nonsense mediated decay, which are commonly known mechanisms for disease. Truncations downstream of this position have been classified as pathogenic by our laboratory. The variant was absent in 251422 control chromosomes (gnomAD). To our knowledge, no occurrence of c.6273delG in individuals affected with Breast Cancer and no experimental evidence demonstrating its impact on protein function have been reported. One co-occurrence with another pathogenic variant has been internally reported (ATM c.7913G>A, p.Trp2638X). One ClinVar submitter (evaluation after 2014) cites the variant as pathogenic. Based on the evidence outlined above, the variant was classified as likely pathogenic.

Center for Genomics, Ann and Robert H. Lurie Children's Hospital of Chicago
Classification: Pathogenic for Ataxia-telangiectasia syndrome; Familial cancer of breast. Review status: criteria provided, single submitter. Criteria: ACMG Guidelines, 2015. Collection method: clinical testing. Allele origin: germline.
Comment: ATM NM_000051 exon 43 p.Trp2091Cysfs*5 (c.6273del): This variant has not been reported in the literature and is is not present in large control databases. Evolutionary conservation and computational predictive tools for this variant are limited or unavailable. This variant is a deletion of 1 nucleotide and creates a premature stop codon 5 amino acids downstream from this location which results in an absent or abnormal protein. Loss of function variants are a known mechanism of disease for this gene (Huang 2013 PMID:23807571) . In summary, this variant is classified as pathogenic.

Literature cited by the submitters: PubMed 23807571 (cited by Labcorp Genetics (formerly Invitae), Labcorp); PubMed 25614872 (cited by Labcorp Genetics (formerly Invitae), Labcorp).

NM_000051.4(ATM):c.6273del (p.Trp2091fs)

Genes: ATM (ATM serine/threonine kinase; plus strand), C11orf65 (chromosome 11 open reading frame 65; minus strand). Cytogenetic location: 11q22.3.
Variant type: Deletion.
Coding change: c.6273del on transcript NM_000051.4 (MANE Select); coding-DNA position 6273, one base deleted (G; older notation c.6273delG).
Protein change: p.Trp2091fs; shifts the reading frame from tryptophan 2091.
Molecular consequence: frameshift variant. On other transcripts: intron variant (2).
Genome position (GRCh38, 1-based): chr11:108,317,447, G deleted; the last of 2 consecutive G bases (chr11:108,317,446-108,317,447); deleting either gives the same sequence. VCF-style (leftmost placement, unchanged base first): chr11-108317445-TG-T. GRCh37 (hg19) VCF-style: chr11-108188172-TG-T.
Other names: c.6273del, p.Trp2091fs (NM_001351834.2); c.641-8375del (NM_001330368.2); c.*39-8375del (NM_001351110.2); short protein forms W2091fs.
Identifiers: ClinVar variation 626061 (VCV000626061.11), dbSNP rs1565503137, ClinGen allele CA913189713.
Genomic context (GRCh38, chr11:108,317,445, plus strand): 5'-TTGGGACTCTGCCATATTCTTTCCGTCTATTTAAAAGGATTGGATTATGAAAATAAAGAC[TG>T]GTGTCCTGAACTAGAAGAACTTCATTACCAAGCAGCATGGAGGAATATGCAGTGGGACCA-3'